The following is an entry in ClinVar:

NM_020821.3(VPS13C):c.2030-9C>T

Gene: VPS13C (vacuolar protein sorting 13 homolog C; minus strand). Cytogenetic location: 15q22.2.
Variant type: single nucleotide variant.
Coding change: c.2030-9C>T on transcript NM_020821.3 (MANE Select); 9 bases into the intron before coding-DNA position 2030, C replaced by T.
Molecular consequence: intron variant.
Genome position (GRCh38, 1-based): chr15:61,981,487, G>A on the plus strand (C>T on the coding strand, the complement: VPS13C is on the minus strand). VCF-style: chr15-61981487-G-A. GRCh37 (hg19) VCF-style: chr15-62273686-G-A.
Other names: c.2030-9C>T (NM_020821.2, NM_001018088.3); c.1901-9C>T (NM_017684.5, NM_018080.4).
Identifiers: ClinVar variation 1559135 (VCV001559135.11), dbSNP rs181179026, ClinGen allele CA7596845.

ClinVar aggregate classification (germline): Benign/Likely benign. Review status: criteria provided, multiple submitters, no conflicts (2 of 4 stars). 3 submissions from 3 submitters: Benign (1); Likely benign (1). 1 of the submissions does not count toward it. Last evaluated 2024-11-25.

Conditions:
VPS13C-related disorder. Also called: VPS13C-related condition.

Allele frequency attached by ClinVar (database versions not stated): gnomAD exomes 0.00064; ExAC 0.00079; 1000 Genomes Project 30x 0.00187; 1000 Genomes Project 0.00220; gnomAD 0.00259 and 0.00279; TOPMed 0.00301; ESP Exome Variant Server 0.00384.
gnomAD v4.1: 761 of 1,573,786 alleles (0.048%); highest among the groups gnomAD compares: African/African-American, 0.89%; 1 homozygote.

Submissions (3):

Blueprint Genetics
Classification: Likely benign. Last evaluated: 2024-11-25. Review status: criteria provided, single submitter. Criteria: ACMG Guidelines, 2015. Collection method: clinical testing. Allele origin: germline.

Labcorp Genetics (formerly Invitae), Labcorp
Classification: Benign. Last evaluated: 2024-06-17. Review status: criteria provided, single submitter. Criteria: Invitae Variant Classification Sherloc (09022015). Collection method: clinical testing. Allele origin: germline.

PreventionGenetics, part of Exact Sciences
Classification: Benign for VPS13C-related condition. Last evaluated: 2019-05-22. Review status: no assertion criteria provided. Collection method: clinical testing. Allele origin: germline. Not counted in ClinVar's aggregate classification.
Comment: This variant is classified as benign based on ACMG/AMP sequence variant interpretation guidelines (Richards et al. 2015 PMID: 25741868, with internal and published modifications).